The following is an entry in ClinVar:

ClinVar aggregate classification (germline): Uncertain significance (1 of 4 stars; one submission).

Conditions:
Combined immunodeficiency due to MALT1 deficiency. Also called: Immunodeficiency 12. Identifiers: Orphanet 397964, MedGen C3809583, MONDO:0014197, OMIM 615468.

Allele frequency attached by ClinVar (database versions not stated): gnomAD 0.00002; TOPMed 0.00002; gnomAD exomes 0.00004.
gnomAD v4.1: 46 of 1,231,700 alleles (0.0037%); highest among the groups gnomAD compares: Non-Finnish European, 0.0047%; no homozygotes.

Submission:

Labcorp Genetics (formerly Invitae), Labcorp
Classification: Uncertain significance for Combined immunodeficiency due to MALT1 deficiency. Last evaluated: 2021-12-23. Review status: criteria provided, single submitter. Criteria: Invitae Variant Classification Sherloc (09022015). Collection method: clinical testing. Allele origin: germline.
Comment: This sequence change replaces glutamine, which is neutral and polar, with glutamic acid, which is acidic and polar, at codon 9 of the MALT1 protein (p.Gln9Glu). This variant is present in population databases (no rsID available, gnomAD 0.01%). This variant has not been reported in the literature in individuals affected with MALT1-related conditions. ClinVar contains an entry for this variant (Variation ID: 1054228). Algorithms developed to predict the effect of missense changes on protein structure and function are either unavailable or do not agree on the potential impact of this missense change (SIFT: "Deleterious"; PolyPhen-2: "Benign"; Align-GVGD: "Class C0"). In summary, the available evidence is currently insufficient to determine the role of this variant in disease. Therefore, it has been classified as a Variant of Uncertain Significance.

NM_006785.4(MALT1):c.25C>G (p.Gln9Glu)

Genes: MALT1 (MALT1 paracaspase; plus strand), MALT1-AS1 (MALT1 antisense RNA 1; minus strand), LOC130062586 (ATAC-STARR-seq lymphoblastoid silent region 9487; plus strand). Cytogenetic location: 18q21.32.
Variant type: single nucleotide variant.
Coding change: c.25C>G on transcript NM_006785.4 (MANE Select); coding-DNA position 25, C replaced by G.
Protein change: p.Gln9Glu; replaces glutamine 9 with glutamic acid.
Molecular consequence: missense variant. On other transcripts: non-coding transcript variant (1).
Genome position (GRCh38, 1-based): chr18:58,671,668, C>G. VCF-style: chr18-58671668-C-G. GRCh37 (hg19) VCF-style: chr18-56338900-C-G.
Other names: c.25C>G, p.Gln9Glu (NM_173844.3); short protein forms Q9E.
Identifiers: ClinVar variation 1054228 (VCV001054228.6), dbSNP rs1267560603, ClinGen allele CA402570557.